The following is an entry in ClinVar:

ClinVar aggregate classification (germline): Uncertain significance (1 of 4 stars; one submission).

Submission:

GeneDx
Classification: Uncertain significance. Last evaluated: 2026-04-01. Review status: criteria provided, single submitter. Criteria: GeneDx Variant Classification Process June 2021. Collection method: clinical testing. Allele origin: germline.
Comment: Has not been previously published as pathogenic or benign to our knowledge; Frameshift variant predicted to result in abnormal protein length as the last 2 amino acid(s) are replaced with 12 different amino acid(s) with an unclear effect on protein function

NM_012208.4(HARS2):c.1510_1513del (p.Glu505fs)

Gene: HARS2 (histidyl-tRNA synthetase 2, mitochondrial; plus strand). Cytogenetic location: 5q31.3.
Variant type: Deletion.
Coding change: c.1510_1513del on transcript NM_012208.4 (MANE Select); coding-DNA positions 1510 to 1513, 4 bases deleted (TCTG; older notation c.1510_1513delTCTG).
Protein change: p.Glu505fs; shifts the reading frame from glutamic acid 505.
Molecular consequence: frameshift variant.
Genome position (GRCh38, 1-based): chr5:140,698,541-140,698,544, TCTG deleted; deleting any 4 consecutive bases within chr5:140,698,538-140,698,544 gives the same sequence; the c. name uses the placement nearest the transcript's 3' end. VCF-style (leftmost placement, unchanged base first): chr5-140698537-ACTGT-A. GRCh37 (hg19) VCF-style: chr5-140078122-ACTGT-A.
Other names: c.1435_1438del, p.Glu480fs (NM_001278731.2); c.1078_1081del, p.Glu361fs (NM_001278732.2); c.1528_1531del, p.Glu511fs (NM_001363535.2); c.1300_1303del, p.Glu435fs (NM_001363536.2); short protein forms E361fs, E435fs, E480fs, E505fs, E511fs.
Identifiers: ClinVar variation 5017114 (VCV005017114.1).
Genomic context (GRCh38, chr5:140,698,537, plus strand): 5'-TTCTCTTATGTTTCAGGTGGCCATTAAACGGGAAAATTTTGTGGCTGAAATTCAGAAGCG[ACTGT>A]CTGAGTCTTGATCCTTGCCTGATTCCCATCTGCTGCTCTTTGTAGAAAAGGTTTCCTCTA-3'